The following is an entry in ClinVar:

NM_004287.5(GOSR2):c.285G>C (p.Glu95Asp)

Genes: GOSR2 (golgi SNAP receptor complex member 2; plus strand), LRRC37A2 (leucine rich repeat containing 37 member A2), LOC126862578 (BRD4-independent group 4 enhancer GRCh37_chr17:45008344-45009543; plus strand). Cytogenetic location: 17q21.32.
Variant type: single nucleotide variant.
Coding change: c.285G>C on transcript NM_004287.5 (MANE Select); coding-DNA position 285, G replaced by C.
Protein change: p.Glu95Asp; replaces glutamic acid 95 with aspartic acid.
Molecular consequence: missense variant. On other transcripts: non-coding transcript variant (3).
Genome position (GRCh38, 1-based): chr17:46,932,148, G>C. VCF-style: chr17-46932148-G-C. GRCh37 (hg19) VCF-style: chr17-45009514-G-C.
Other names: c.285G>C, p.Glu95Asp (NM_001012511.3, NM_001321133.2, NM_001330252.2 and 1 more transcripts); c.231G>C, p.Glu77Asp (NM_001321134.2, NM_001363851.2); c.282G>C, p.Glu94Asp (NM_001353114.2, NM_001353115.2, NM_001353116.2); short protein forms E94D, E77D, E95D.
Identifiers: ClinVar variation 1365916 (VCV001365916.8), dbSNP rs2146913197, ClinGen allele CA400017023.
Genomic context (GRCh38, chr17:46,932,148, plus strand): 5'-TGATGTCCAGCACCTGCAGACTGCGCTCAGAAACTTCCAGCATCGGCGCCATGCAAGGGA[G>C]CAGCAGGAGAGACAGCGAGAAGAGCTTCTGTCTCGAACCTTCACCACTAACGTAAGCCAG-3'
Protein context (NP_004278.2, residues 85-105): RNFQHRRHAR[Glu95Asp]QQERQREELL

ClinVar aggregate classification (germline): Uncertain significance (1 of 4 stars; one submission).

Conditions:
Progressive myoclonic epilepsy. Also called: Myoclonus epilepsy; Familial progressive myoclonic epilepsy; Myoclonic Epilepsies, Progressive; Progressive myoclonus epilepsy. Identifiers: Orphanet 308, Orphanet 98261, MedGen C0751778, MONDO:0020074.

Allele frequency attached by ClinVar (database versions not stated): gnomAD exomes 0.00001.
gnomAD v4.1: 5 of 1,614,156 alleles (0.00031%); highest among the groups gnomAD compares: Non-Finnish European, 0.00042%; no homozygotes.

Submission:

Labcorp Genetics (formerly Invitae), Labcorp
Classification: Uncertain significance for Progressive myoclonic epilepsy. Last evaluated: 2024-10-16. Review status: criteria provided, single submitter. Criteria: Invitae Variant Classification Sherloc (09022015). Collection method: clinical testing. Allele origin: germline.
Comment: This sequence change replaces glutamic acid, which is acidic and polar, with aspartic acid, which is acidic and polar, at codon 95 of the GOSR2 protein (p.Glu95Asp). This variant is not present in population databases (gnomAD no frequency). This variant has not been reported in the literature in individuals affected with GOSR2-related conditions. ClinVar contains an entry for this variant (Variation ID: 1365916). An algorithm developed to predict the effect of missense changes on protein structure and function (PolyPhen-2) suggests that this variant is likely to be tolerated. In summary, the available evidence is currently insufficient to determine the role of this variant in disease. Therefore, it has been classified as a Variant of Uncertain Significance.